The following is an entry in ClinVar:

ClinVar aggregate classification (germline): Conflicting classifications of pathogenicity. Review status: criteria provided, conflicting classifications (1 of 4 stars). 19 submissions from 19 submitters: Uncertain significance (5); Benign (5); Likely benign (4). 5 of the submissions do not count toward it. Last evaluated 2026-09-01.

Conditions:
LAMA2-related disorder. Also called: LAMA2-related disorders; LAMA2-related condition.
Muscular dystrophy, limb-girdle, autosomal recessive 23. Identifiers: Orphanet 565837, MedGen C4748327, MONDO:0029136, OMIM 618138.
Merosin deficient congenital muscular dystrophy (MDC1A). Also called: Congenital merosin-deficient muscular dystrophy 1A; Congenital Muscular Dystrophy Type 1A (MDC1A). Identifiers: Orphanet 258, MedGen C1263858, MONDO:0011925, OMIM 607855.
LAMA2-related muscular dystrophy (LAMA2-RD). Also called: Laminin alpha 2-related dystrophy. Identifiers: MedGen C5679788, MONDO:0100228.
Congenital muscular dystrophy due to partial LAMA2 deficiency. Identifiers: MedGen C1842898.

Allele frequency attached by ClinVar (database versions not stated): 1000 Genomes Project 30x 0.00265; 1000 Genomes Project 0.00280; ESP Exome Variant Server 0.00300; gnomAD 0.00328 and 0.00338; ExAC 0.00334; TOPMed 0.00342; gnomAD exomes 0.00368 and 0.00373.
gnomAD v4.1: 5,934 of 1,613,554 alleles (0.37%); highest among the groups gnomAD compares: Non-Finnish European, 0.37%; 32 homozygotes.

Submissions (20):

CeGaT Center for Human Genetics Tuebingen
Classification: Likely benign. Last evaluated: 2026-09-01. Review status: criteria provided, single submitter. Criteria: CeGaT Center For Human Genetics Tuebingen Variant Classification Criteria Version 2. Collection method: clinical testing. Allele origin: germline. Affected: yes. Observed: 22 variant alleles.
Comment: LAMA2: BS2

Labcorp Genetics (formerly Invitae), Labcorp
Classification: Benign for LAMA2-related muscular dystrophy. Last evaluated: 2026-02-04. Review status: criteria provided, single submitter. Criteria: Invitae Variant Classification Sherloc (09022015). Collection method: clinical testing. Allele origin: germline.

Athena Diagnostics
Classification: Benign. Last evaluated: 2025-08-28. Review status: criteria provided, single submitter. Criteria: Athena Diagnostics Criteria. Collection method: clinical testing. Allele origin: unknown.
Comment: The frequency of this variant in the general population is higher than would generally be expected for pathogenic variants in this gene.

Women's Health and Genetics/Laboratory Corporation of America, LabCorp
Classification: Likely benign. Last evaluated: 2025-04-29. Review status: criteria provided, single submitter. Criteria: LabCorp Variant Classification Summary - May 2015. Collection method: clinical testing. Allele origin: germline.
Comment: Variant summary: LAMA2 c.4487C>T (p.Ala1496Val) results in a non-conservative amino acid change located in the EGF-like domain (IPR000742) of the encoded protein sequence. Four of five in-silico tools predict a damaging effect of the variant on protein function. The variant allele was found at a frequency of 0.0037 in 251380 control chromosomes, predominantly at a frequency of 0.0043 within the Non-Finnish European subpopulation in the gnomAD database, including 3 homozygotes. The observed variant frequency within Non-Finnish European control individuals in the gnomAD database is approximately 2 - fold of the estimated maximal expected allele frequency for a pathogenic variant in LAMA2 causing Laminin Alpha 2-Related Dystrophy phenotype (0.0022). To our knowledge, no occurrence of c.4487C>T in individuals affected with Laminin Alpha 2-Related Dystrophy and no experimental evidence demonstrating its impact on protein function have been reported. ClinVar contains an entry for this variant (Variation ID: 196660). Based on the evidence outlined above, the variant was classified as likely benign.

Blueprint Genetics
Classification: Likely benign. Last evaluated: 2024-11-23. Review status: criteria provided, single submitter. Criteria: ACMG Guidelines, 2015. Collection method: clinical testing. Allele origin: germline.

Mendelics
Classification: Benign for Merosin deficient congenital muscular dystrophy. Last evaluated: 2023-08-22. Review status: criteria provided, single submitter. Criteria: Mendelics Assertion Criteria 2019. Collection method: clinical testing. Allele origin: germline.

Molecular Genetics, Royal Melbourne Hospital
Classification: Likely benign for Muscular dystrophy, limb-girdle, autosomal recessive 23. Last evaluated: 2023-05-04. Review status: criteria provided, single submitter. Criteria: ACMG Guidelines, 2015. Collection method: clinical testing. Allele origin: germline. Affected: no.
Comment: European Non-Finnish population allele frequency is 0.3978%% (rs147077184, 937/251380 alleles, 5 homozygotes in gnomAD v2.1). Based on the classification scheme RMH Modified ACMG/AMP Guidelines v1.5.1, this variant is classified as LIKELY BENIGN. Following criteria are met: BS1

Department of Pathology and Laboratory Medicine, Sinai Health System
Classification: Benign for Merosin deficient congenital muscular dystrophy; Muscular dystrophy, limb-girdle, autosomal recessive 23. Last evaluated: 2023-02-03. Review status: criteria provided, single submitter. Criteria: ACMG Guidelines, 2015. Collection method: research. Allele origin: germline.

GeneDx
Classification: Benign. Last evaluated: 2018-04-03. Review status: criteria provided, single submitter. Criteria: GeneDx Variant Classification Process June 2021. Collection method: clinical testing. Allele origin: germline. Affected: yes.
Comment: This variant is associated with the following publications: (PMID: 24957499, 28133863, 27854218)

Mayo Clinic Laboratories, Mayo Clinic
Classification: Uncertain significance for Merosin deficient congenital muscular dystrophy. Last evaluated: 2017-06-01. Review status: criteria provided, single submitter. Criteria: ACMG Guidelines, 2015. Collection method: clinical testing. Allele origin: biparental.

Illumina Laboratory Services, Illumina
Classification: Uncertain significance for Congenital muscular dystrophy due to partial LAMA2 deficiency. Last evaluated: 2017-04-27. Review status: criteria provided, single submitter. Criteria: ICSL Variant Classification Criteria 13 December 2019. Collection method: clinical testing. Allele origin: germline.
Comment: This variant was observed as part of a predisposition screen in an ostensibly healthy population. A literature search was performed for the gene, cDNA change, and amino acid change (where applicable). Publications were found based on this search. However, the evidence from the literature, in combination with allele frequency data from public databases where available, was not sufficient to rule this variant in or out of causing disease. Therefore, this variant is classified as a variant of unknown significance.

Eurofins Ntd Llc (ga)
Classification: Uncertain significance. Last evaluated: 2016-06-09. Review status: criteria provided, single submitter. Criteria: EGL Classification Definitions 2015. Collection method: clinical testing. Allele origin: germline. Observed: 8 variant alleles, 8 heterozygotes.

Center for Genetic Medicine Research, Children's National Medical Center
Classification: Uncertain significance. Last evaluated: 2015-12-01. Review status: criteria provided, single submitter. Criteria: Punetha et al. (J Neuromuscul Dis. 2016). Collection method: research. Allele origin: unknown.

Genetic Services Laboratory, University of Chicago
Classification: Uncertain significance. Last evaluated: 2014-12-01. Review status: criteria provided, single submitter. Criteria: ACMG Guidelines, 2015. Collection method: clinical testing. Allele origin: germline.

PreventionGenetics, part of Exact Sciences
Classification: Likely benign for LAMA2-related condition. Last evaluated: 2019-12-31. Review status: no assertion criteria provided. Collection method: clinical testing. Allele origin: germline. Not counted in ClinVar's aggregate classification.
Comment: This variant is classified as likely benign based on ACMG/AMP sequence variant interpretation guidelines (Richards et al. 2015 PMID: 25741868, with internal and published modifications).

OMIM
Classification: Pathogenic for MUSCULAR DYSTROPHY, LIMB-GIRDLE, AUTOSOMAL RECESSIVE 23. Last evaluated: 2018-10-05. Review status: no assertion criteria provided. Collection method: literature only. Allele origin: germline. Not counted in ClinVar's aggregate classification.

Clinical Genetics DNA and cytogenetics Diagnostics Lab, Erasmus MC, Erasmus Medical Center
Classification: Benign. Review status: no assertion criteria provided. Collection method: clinical testing. Allele origin: germline. Affected: yes. Study: VKGL Data-share Consensus. Not counted in ClinVar's aggregate classification.

Dr. Peter K. Rogan Lab, Western University
No classification provided (evidence only). Condition: Malignant tumor of urinary bladder. Review status: no classification provided. Collection method: in vitro. Allele origin: not applicable. Functional consequence: retained intron. Not counted in ClinVar's aggregate classification.

Joint Genome Diagnostic Labs from Nijmegen and Maastricht, Radboudumc and MUMC+
Classification: Likely benign. Review status: no assertion criteria provided. Collection method: clinical testing. Allele origin: germline. Affected: yes. Study: VKGL Data-share Consensus. Not counted in ClinVar's aggregate classification.

Laboratory of Diagnostic Genome Analysis, Leiden University Medical Center (LUMC)
Classification: Likely benign. Review status: no assertion criteria provided. Collection method: clinical testing. Allele origin: germline. Affected: yes. Study: VKGL Data-share Consensus. Not counted in ClinVar's aggregate classification.

Literature cited by the submitters: PubMed 30055037 (cited by Athena Diagnostics and Women's Health and Genetics/Laboratory Corporation of America, LabCorp); PubMed 27854218 (cited by Athena Diagnostics); PubMed 24957499 (cited by 3 submitters).

NM_000426.4(LAMA2):c.4487C>T (p.Ala1496Val)

Gene: LAMA2 (laminin subunit alpha 2; plus strand). Cytogenetic location: 6q22.33.
Variant type: single nucleotide variant.
Coding change: c.4487C>T on transcript NM_000426.4 (MANE Select); coding-DNA position 4487, C replaced by T.
Protein change: p.Ala1496Val; replaces alanine 1496 with valine.
Molecular consequence: missense variant.
Genome position (GRCh38, 1-based): chr6:129,349,348, C>T. VCF-style: chr6-129349348-C-T. GRCh37 (hg19) VCF-style: chr6-129670493-C-T.
Other names: c.4487C>T, p.Ala1496Val (NM_001079823.2); short protein forms A1496V.
Identifiers: ClinVar variation 196660 (VCV000196660.81), dbSNP rs147077184, ClinGen allele CA208965.